The following is an entry in ClinVar:

ClinVar aggregate classification (germline): Uncertain significance (1 of 4 stars; one submission).

Allele frequency attached by ClinVar (database versions not stated): gnomAD exomes 0.00001.
gnomAD v4.1: 3 of 1,549,072 alleles (0.00019%); highest among the groups gnomAD compares: Middle Eastern, 0.018%; no homozygotes.

Submission:

Labcorp Genetics (formerly Invitae), Labcorp
Classification: Uncertain significance. Last evaluated: 2024-02-24. Review status: criteria provided, single submitter. Criteria: Invitae Variant Classification Sherloc (09022015). Collection method: clinical testing. Allele origin: germline.
Comment: This sequence change replaces cysteine, which is neutral and slightly polar, with arginine, which is basic and polar, at codon 6 of the AGPAT2 protein (p.Cys6Arg). This variant is present in population databases (no rsID available, gnomAD 0.009%). This variant has not been reported in the literature in individuals affected with AGPAT2-related conditions. ClinVar contains an entry for this variant (Variation ID: 1948184). An algorithm developed to predict the effect of missense changes on protein structure and function (PolyPhen-2) suggests that this variant is likely to be tolerated. In summary, the available evidence is currently insufficient to determine the role of this variant in disease. Therefore, it has been classified as a Variant of Uncertain Significance.

NM_006412.4(AGPAT2):c.16T>C (p.Cys6Arg)

Gene: AGPAT2 (1-acylglycerol-3-phosphate O-acyltransferase 2; minus strand). Cytogenetic location: 9q34.3.
Variant type: single nucleotide variant.
Coding change: c.16T>C on transcript NM_006412.4 (MANE Select); coding-DNA position 16, T replaced by C.
Protein change: p.Cys6Arg; replaces cysteine 6 with arginine.
Molecular consequence: missense variant.
Genome position (GRCh38, 1-based): chr9:136,687,342, A>G on the plus strand (T>C on the coding strand, the complement: AGPAT2 is on the minus strand). VCF-style: chr9-136687342-A-G. GRCh37 (hg19) VCF-style: chr9-139581794-A-G.
Other names: c.16T>C, p.Cys6Arg (NM_001012727.2); short protein forms C6R.
Identifiers: ClinVar variation 1948184 (VCV001948184.5), dbSNP rs1278572636, ClinGen allele CA375588495.